The following is an entry in ClinVar:

ClinVar aggregate classification (germline): Likely pathogenic. Review status: criteria provided, multiple submitters, no conflicts (2 of 4 stars). 2 submissions from 2 submitters: Likely pathogenic (2). Last evaluated 2024-02-19.

Conditions:
Bloom syndrome (BLM). Also called: Bloom-Torre-Machacek syndrome. Identifiers: Orphanet 125, MedGen C0005859, MONDO:0008876, OMIM 210900.

Submissions (2):

Baylor Genetics
Classification: Likely pathogenic for Bloom syndrome. Last evaluated: 2024-02-19. Review status: criteria provided, single submitter. Criteria: ACMG Guidelines, 2015. Collection method: clinical testing. Allele origin: unknown.

Labcorp Genetics (formerly Invitae), Labcorp
Classification: Likely pathogenic for Bloom syndrome. Last evaluated: 2023-11-10. Review status: criteria provided, single submitter. Criteria: Invitae Variant Classification Sherloc (09022015). Collection method: clinical testing. Allele origin: germline.
Comment: This sequence change affects a donor splice site in intron 6 of the BLM gene. It is expected to disrupt RNA splicing. Variants that disrupt the donor or acceptor splice site typically lead to a loss of protein function (PMID: 16199547), and loss-of-function variants in BLM are known to be pathogenic (PMID: 17407155). This variant is not present in population databases (gnomAD no frequency). This variant has not been reported in the literature in individuals affected with BLM-related conditions. Algorithms developed to predict the effect of sequence changes on RNA splicing suggest that this variant may disrupt the consensus splice site. In summary, the currently available evidence indicates that the variant is pathogenic, but additional data are needed to prove that conclusively. Therefore, this variant has been classified as Likely Pathogenic.

Literature cited by the submitters: PubMed 16199547 (cited by Labcorp Genetics (formerly Invitae), Labcorp); PubMed 17407155 (cited by Labcorp Genetics (formerly Invitae), Labcorp).

NM_000057.4(BLM):c.1220+2T>G

Gene: BLM (BLM RecQ like helicase; plus strand). Cytogenetic location: 15q26.1.
Variant type: single nucleotide variant.
Coding change: c.1220+2T>G on transcript NM_000057.4 (MANE Select); the canonical splice donor site of the intron after coding-DNA position 1220, T replaced by G.
Molecular consequence: splice donor variant.
Genome position (GRCh38, 1-based): chr15:90,760,281, T>G. VCF-style: chr15-90760281-T-G. GRCh37 (hg19) VCF-style: chr15-91303511-T-G.
Other names: c.1220+2T>G (NM_001287246.2, NM_001287247.2); c.95+2T>G (NM_001287248.2).
Identifiers: ClinVar variation 3017473 (VCV003017473.4), dbSNP rs1369220541, ClinGen allele CA393842583.